The following is an entry in ClinVar:

NM_000075.4(CDK4):c.219-17G>C

Gene: CDK4 (cyclin dependent kinase 4; minus strand). Cytogenetic location: 12q14.1.
Variant type: single nucleotide variant.
Coding change: c.219-17G>C on transcript NM_000075.4 (MANE Select); 17 bases into the intron before coding-DNA position 219, G replaced by C.
Molecular consequence: intron variant.
Genome position (GRCh38, 1-based): chr12:57,751,359, C>G on the plus strand (G>C on the coding strand, the complement: CDK4 is on the minus strand). VCF-style: chr12-57751359-C-G. GRCh37 (hg19) VCF-style: chr12-58145142-C-G.
Identifiers: ClinVar variation 1579897 (VCV001579897.9), dbSNP rs767249235, ClinGen allele CA605706356.

ClinVar aggregate classification (germline): Likely benign. Review status: criteria provided, multiple submitters, no conflicts (2 of 4 stars). 2 submissions from 2 submitters: Likely benign (2). Last evaluated 2025-09-13.

Conditions:
Familial melanoma. Also called: Hereditary melanoma; Hereditary cutaneous melanoma. Identifiers: Orphanet 618, MedGen C1512419, MONDO:0018961.
Melanoma, cutaneous malignant, susceptibility to, 3. Also called: Cutaneous malignant melanoma 3. Identifiers: Orphanet 618, MedGen C1836892, MONDO:0012183, OMIM 609048.

Allele frequency attached by ClinVar (database versions not stated): TOPMed below 0.00001.
gnomAD v4.1: 4 of 1,614,016 alleles (0.00025%); highest among the groups gnomAD compares: Non-Finnish European, 0.00034%; no homozygotes.

Submissions (2):

Labcorp Genetics (formerly Invitae), Labcorp
Classification: Likely benign for Familial melanoma. Last evaluated: 2025-09-13. Review status: criteria provided, single submitter. Criteria: Invitae Variant Classification Sherloc (09022015). Collection method: clinical testing. Allele origin: germline.

Myriad Genetics, Inc.
Classification: Likely benign for Melanoma, cutaneous malignant, susceptibility to, 3. Last evaluated: 2024-09-25. Review status: criteria provided, single submitter. Criteria: Myriad Autosomal Dominant, Autosomal Recessive and X-Linked Classification Criteria (2023). Collection method: clinical testing. Allele origin: unknown.
Comment: This variant is considered likely benign. This variant is intronic and is not expected to impact mRNA splicing.